The following is an entry in ClinVar:

ClinVar aggregate classification (germline): Uncertain significance (1 of 4 stars; one submission).

Allele frequency attached by ClinVar (database versions not stated): gnomAD 0.00002; TOPMed 0.00002.
gnomAD v4.1: 6 of 1,601,196 alleles (0.00037%); highest among the groups gnomAD compares: Admixed American, 0.0086%; no homozygotes.

Submission:

Labcorp Genetics (formerly Invitae), Labcorp
Classification: Uncertain significance. Last evaluated: 2022-05-20. Review status: criteria provided, single submitter. Criteria: Invitae Variant Classification Sherloc (09022015). Collection method: clinical testing. Allele origin: germline.
Comment: In summary, the available evidence is currently insufficient to determine the role of this variant in disease. Therefore, it has been classified as a Variant of Uncertain Significance. Algorithms developed to predict the effect of missense changes on protein structure and function are either unavailable or do not agree on the potential impact of this missense change (SIFT: "Deleterious"; PolyPhen-2: "Benign"; Align-GVGD: "Class C0"). This variant has not been reported in the literature in individuals affected with AHDC1-related conditions. This variant is present in population databases (no rsID available, gnomAD 0.003%). This sequence change replaces lysine, which is basic and polar, with asparagine, which is neutral and polar, at codon 465 of the AHDC1 protein (p.Lys465Asn).

NM_001371928.1(AHDC1):c.1395A>C (p.Lys465Asn)

Gene: AHDC1 (AT-hook DNA binding motif containing 1; minus strand). Cytogenetic location: 1p36.11.
Variant type: single nucleotide variant.
Coding change: c.1395A>C on transcript NM_001371928.1 (MANE Select); coding-DNA position 1395, A replaced by C.
Protein change: p.Lys465Asn; replaces lysine 465 with asparagine.
Molecular consequence: missense variant.
Genome position (GRCh38, 1-based): chr1:27,550,721, T>G on the plus strand (A>C on the coding strand, the complement: AHDC1 is on the minus strand). VCF-style: chr1-27550721-T-G. GRCh37 (hg19) VCF-style: chr1-27877232-T-G.
Other names: c.1395A>C, p.Lys465Asn (NM_001029882.3); short protein forms K465N.
Identifiers: ClinVar variation 1961961 (VCV001961961.5), dbSNP rs765328564, ClinGen allele CA339234343.
Genomic context (GRCh38, chr1:27,550,721, plus strand): 5'-CAGCGATACGGGGATCTTGGCCATCTTCACCACCATGCGCCGCACGCCCCGGCACTTGCC[T>G]TTGCGGGTAGAGACCACTGGGGTCTGGGAAGATTCCGGCTTCAACTCTGGGACTGAGACC-3'
Protein context (NP_001358857.1, residues 455-475): SSQTPVVSTR[Lys465Asn]GKCRGVRRMV